The following is an entry in ClinVar:

ClinVar aggregate classification (germline): Conflicting classifications of pathogenicity. Review status: criteria provided, conflicting classifications (1 of 4 stars). 3 submissions from 3 submitters: Uncertain significance (2); Likely benign (1). Last evaluated 2024-06-10.

Conditions:
TTN-related disorder. Also called: TTN-related condition; TTN-related disease; TTN-related disorders.
Dilated cardiomyopathy 1G (CMD1G). Identifiers: Orphanet 154, MedGen C1858763, MONDO:0011400, OMIM 604145.
Autosomal recessive limb-girdle muscular dystrophy type 2J (LGMDR10). Also called: Limb-girdle muscular dystrophy, type 2J; MUSCULAR DYSTROPHY, LIMB-GIRDLE, AUTOSOMAL RECESSIVE 10. Identifiers: Orphanet 140922, MedGen C1837342, MONDO:0012127, OMIM 608807.

Allele frequency attached by ClinVar (database versions not stated): TOPMed 0.00002.
gnomAD v4.1: 6 of 1,613,000 alleles (0.00037%); highest among the groups gnomAD compares: Admixed American, 0.0083%; no homozygotes.

Submissions (3):

Blueprint Genetics
Classification: Likely benign. Last evaluated: 2024-06-10. Review status: criteria provided, single submitter. Criteria: ACMG Guidelines, 2015. Collection method: clinical testing. Allele origin: germline.

PreventionGenetics, part of Exact Sciences
Classification: Uncertain significance for TTN-related condition. Last evaluated: 2023-05-21. Review status: criteria provided, single submitter. Criteria: ACMG Guidelines, 2015. Collection method: clinical testing. Allele origin: germline.
Comment: The TTN c.56191C>A variant is predicted to result in the amino acid substitution p.Pro18731Thr. To our knowledge, this variant has not been reported in the literature. This variant is reported in 0.0058% of alleles in individuals of Latino descent in gnomAD. At this time, the clinical significance of this variant is uncertain due to the absence of conclusive functional and genetic evidence.

Labcorp Genetics (formerly Invitae), Labcorp
Classification: Uncertain significance for Dilated cardiomyopathy 1G; Autosomal recessive limb-girdle muscular dystrophy type 2J. Last evaluated: 2017-12-06. Review status: criteria provided, single submitter. Criteria: Invitae Variant Classification Sherloc (09022015). Collection method: clinical testing. Allele origin: germline.

NM_001267550.2(TTN):c.56191C>A (p.Pro18731Thr)

Genes: TTN (titin; minus strand), TTN-AS1 (TTN antisense RNA 1; plus strand). Cytogenetic location: 2q31.2.
Variant type: single nucleotide variant.
Coding change: c.56191C>A on transcript NM_001267550.2 (MANE Select); coding-DNA position 56191, C replaced by A.
Protein change: p.Pro18731Thr; replaces proline 18731 with threonine.
Molecular consequence: missense variant. On other transcripts: non-coding transcript variant (1).
Genome position (GRCh38, 1-based): chr2:178,599,710, G>T on the plus strand (C>A on the coding strand, the complement: TTN is on the minus strand). VCF-style: chr2-178599710-G-T. GRCh37 (hg19) VCF-style: chr2-179464437-G-T.
Other names: c.51268C>A, p.Pro17090Thr (NM_001256850.1); c.28996C>A, p.Pro9666Thr (NM_003319.4); c.48487C>A, p.Pro16163Thr (NM_133378.4); c.29371C>A, p.Pro9791Thr (NM_133432.3); c.29572C>A, p.Pro9858Thr (NM_133437.4); short protein forms P18731T, P9666T, P17090T, P9791T, P16163T, P9858T.
Identifiers: ClinVar variation 535574 (VCV000535574.5), dbSNP rs751457168, ClinGen allele CA349534251.